The following is an entry in ClinVar:

NM_006765.4(TUSC3):c.426+171AC[12]

Gene: TUSC3 (tumor suppressor candidate 3; plus strand). Cytogenetic location: 8p22.
Variant type: Microsatellite.
Coding change: c.426+171AC[12] on transcript NM_006765.4 (MANE Select); 12 copies in a row of the 2-base unit AC starting at c.426+171.
Molecular consequence: intron variant.
Genome position: GRCh38 VCF-style: chr8-15650984-TACACACACACACAC-T. GRCh37 (hg19) VCF-style: chr8-15508493-TACACACACACACAC-T.
Other names: c.426+171AC[12] (NM_178234.2, NM_001356429.2).
Identifiers: ClinVar variation 1703931 (VCV001703931.2), dbSNP rs3070913, ClinGen allele CA580293493.

ClinVar aggregate classification (germline): Likely benign (1 of 4 stars; one submission).

Submission:

GeneDx
Classification: Likely benign. Last evaluated: 2021-05-17. Review status: criteria provided, single submitter. Criteria: GeneDx Variant Classification Process June 2021. Collection method: clinical testing. Allele origin: germline. Affected: yes.
Comment: See Variant Classification Assertion Criteria.